The following is an entry in ClinVar:

NM_001010870.3(TDRD6):c.217T>C (p.Cys73Arg)

Gene: TDRD6 (tudor domain containing 6; plus strand). Cytogenetic location: 6p12.3.
Variant type: single nucleotide variant.
Coding change: c.217T>C on transcript NM_001010870.3 (MANE Select); coding-DNA position 217, T replaced by C.
Protein change: p.Cys73Arg; replaces cysteine 73 with arginine.
Molecular consequence: missense variant.
Genome position (GRCh38, 1-based): chr6:46,688,345, T>C. VCF-style: chr6-46688345-T-C. GRCh37 (hg19) VCF-style: chr6-46656082-T-C.
Other names: c.217T>C, p.Cys73Arg (NM_001168359.2); short protein forms C73R.
Identifiers: ClinVar variation 3966783 (VCV003966783.2).

ClinVar aggregate classification (germline): Uncertain significance. Review status: criteria provided, multiple submitters, no conflicts (2 of 4 stars). 2 submissions from 2 submitters: Uncertain significance (2). Last evaluated 2025-12-03.

Conditions:
Male infertility. Identifiers: MedGen C0021364, MeSH D007248, MONDO:0005372, HP:0003251.

gnomAD v4.1: 2,175 of 1,530,296 alleles (0.14%); highest among the groups gnomAD compares: Non-Finnish European, 0.17%; 5 homozygotes.

Submissions (2):

Institute of Reproductive Genetics, University of Münster
Classification: Uncertain significance for Male infertility. Last evaluated: 2025-12-03. Review status: criteria provided, single submitter. Criteria: Uk Practice Guidelines For Variant Classification V4 01 2020. Collection method: research. Allele origin: germline. Affected: yes. Observed: 1 variant allele.
Comment: The NM_001010870.3:c.217T>C, is a missense variant in TDRD6 which results in the substitution of a cysteine at position 73 by arginine. This variant is rare in gnomAD (PM2_sup); version 4.1.1 and multiple lines of computational evidence support a deleterious effect on gene product (PP3). Functional analysis demonstrated dysfunction of TDRD6 in the proband’s testicular tissue (PS3_sup). In summary, this variant meets criteria to be classified as variant of uncertain significance for male infertility based on the ACMG/ criteria applied, as specified by the UK Best Practice Guidelines for variant classification (PM3, PM2_sup, PP3, PS3_sup).

Ambry Genetics
Classification: Uncertain significance. Last evaluated: 2025-04-21. Review status: criteria provided, single submitter. Criteria: Ambry Variant Classification Scheme 2023. Collection method: clinical testing. Allele origin: germline.